The following is an entry in ClinVar:

ClinVar aggregate classification (germline): Likely benign (1 of 4 stars; one submission).

Conditions:
Progressive myoclonic epilepsy type 3. Also called: EPILEPSY, PROGRESSIVE MYOCLONIC, 3, WITH OR WITHOUT INTRACELLULAR INCLUSIONS; CEROID LIPOFUSCINOSIS, NEURONAL, 14; EPILEPSY, PROGRESSIVE MYOCLONIC, 3, WITHOUT INTRACELLULAR INCLUSIONS; KCTD7-Related Progressive Myoclonic Epilepsy. Identifiers: Orphanet 263516, MedGen C2673257, MONDO:0012721, OMIM 611726.

Allele frequency attached by ClinVar (database versions not stated): gnomAD exomes 0.00019; gnomAD 0.00204 and 0.00220; TOPMed 0.00241; 1000 Genomes Project 0.00300; 1000 Genomes Project 30x 0.00359.
gnomAD v4.1: 485 of 983,896 alleles (0.049%); highest among the groups gnomAD compares: African/African-American, 0.75%; 1 homozygote.

Submission:

Illumina Laboratory Services, Illumina
Classification: Likely benign for Progressive myoclonic epilepsy type 3. Last evaluated: 2018-01-13. Review status: criteria provided, single submitter. Criteria: ICSL Variant Classification Criteria 13 December 2019. Collection method: clinical testing. Allele origin: germline.
Comment: This variant was observed in the ICSL laboratory as part of a predisposition screen in an ostensibly healthy population. It had not been previously curated by ICSL or reported in the Human Gene Mutation Database (HGMD: prior to June 1st, 2018), and was therefore a candidate for classification through an automated scoring system. Utilizing variant allele frequency, disease prevalence and penetrance estimates, and inheritance mode, an automated score was calculated to assess if this variant is too frequent to cause the disease. Based on the score and internal cut-off values, a variant classified as likely benign is not then subjected to further curation. The score for this variant resulted in a classification of likely benign for this disease.

NM_153033.5(KCTD7):c.*1619A>G

Gene: KCTD7 (potassium channel tetramerization domain containing 7; plus strand). Cytogenetic location: 7q11.21.
Variant type: single nucleotide variant.
Coding change: c.*1619A>G on transcript NM_153033.5 (MANE Select); 1619 bases downstream of the stop codon, A replaced by G.
Molecular consequence: 3 prime UTR variant.
Genome position (GRCh38, 1-based): chr7:66,640,851, A>G. VCF-style: chr7-66640851-A-G. GRCh37 (hg19) VCF-style: chr7-66105838-A-G.
Other names: c.*457A>G (NM_001167961.2).
Identifiers: ClinVar variation 360606 (VCV000360606.5), dbSNP rs115778754, ClinGen allele CA10629389.
Genomic context (GRCh38, chr7:66,640,851, plus strand): 5'-GTGGCTAGCCACTGTGCTCCAGCCTGGGCAACACCATCGTAAAAATAAATAAATAAATAA[A>G]TAAATTGGGGAGGACAGCCTCACTGGTATCAGACTTACAGGACCAGATAGACAAGATGGG-3'